The following is an entry in ClinVar:

ClinVar aggregate classification (germline): Pathogenic (1 of 4 stars; one submission).

Conditions:
Rubinstein-Taybi syndrome due to CREBBP mutations (RSTS1). Also called: RUBINSTEIN SYNDROME; BROAD THUMB-HALLUX SYNDROME; BROAD THUMBS AND GREAT TOES, CHARACTERISTIC FACIES, AND IMPAIRED INTELLECTUAL DEVELOPMENT; Rubinstein-Taybi syndrome 1; RUBINSTEIN-TAYBI SYNDROME 1, INCOMPLETE; CREBBP-Related Rubinstein-Taybi Syndrome. Identifiers: Orphanet 353277, Orphanet 783, MedGen C4551859, MONDO:0008393, OMIM 180849.

Submission:

Department of Paediatric Medicine, Post Graduation Institute of Medical Education and Research
Classification: Pathogenic for Rubinstein-Taybi syndrome due to CREBBP mutations. Last evaluated: 2018-08-09. Review status: criteria provided, single submitter. Criteria: ACMG Guidelines, 2015. Collection method: clinical testing. Allele origin: unknown. Inheritance: Autosomal dominant inheritance. Affected: yes. Observed: 1 heterozygote.
Comment: The clinical significance was assigned and evaluated based on the ACMG guidelines for Variant Classification (Richards et al, 2015). This variant is absent in population databases (PM2);the patient's phenotype was highly specific for this gene (PP4) and multiple lines of computational evidence support a deleterious effect on the gene or gene product (PP3).

NM_004380.3(CREBBP):c.1977C>A (p.Tyr659Ter)

Gene: CREBBP (CREB binding lysine acetyltransferase; minus strand). Cytogenetic location: 16p13.3.
Variant type: single nucleotide variant.
Coding change: c.1977C>A on transcript NM_004380.3 (MANE Select); coding-DNA position 1977, C replaced by A.
Protein change: p.Tyr659Ter; replaces tyrosine 659 with a stop codon.
Molecular consequence: nonsense.
Genome position (GRCh38, 1-based): chr16:3,778,147, G>T on the plus strand (C>A on the coding strand, the complement: CREBBP is on the minus strand). VCF-style: chr16-3778147-G-T. GRCh37 (hg19) VCF-style: chr16-3828148-G-T.
Other names: c.1863C>A, p.Tyr621Ter (NM_001079846.1); short protein forms Y621*, Y659*.
Identifiers: ClinVar variation 976495 (VCV000976495.2), dbSNP rs2053190428, ClinGen allele CA394554816.